The following is an entry in ClinVar:

ClinVar aggregate classification (germline): Likely pathogenic (1 of 4 stars; one submission).

Conditions:
Charlevoix-Saguenay spastic ataxia (SACS). Also called: Spastic ataxia of Charlevoix-Saguenay; SPASTIC ATAXIA 6, AUTOSOMAL RECESSIVE; AUTOSOMAL RECESSIVE SPASTIC ATAXIA OF CHARLEVOIX-SAGUENAY. Identifiers: Orphanet 98, MedGen C1849140, MONDO:0010041, OMIM 270550.

Submission:

Myriad Genetics, Inc.
Classification: Likely pathogenic for Charlevoix-Saguenay spastic ataxia. Last evaluated: 2022-02-25. Review status: criteria provided, single submitter. Criteria: Myriad Women's Health Autosomal Recessive and X-Linked Classification Criteria (2021). Collection method: clinical testing. Allele origin: unknown.
Comment: NM_014363.4(SACS):c.1929T>A(C643*) is expected to be pathogenic in the context of autosomal recessive spastic ataxia of Charlevoix-Saguenay. This variant is predicted to lead to an abnormal or absent protein product due to the creation of a premature termination codon in SACS, a gene where loss-of-function variants are known to be pathogenic. Please note: this variant was assessed in the context of healthy population screening.

NM_014363.6(SACS):c.1929T>A (p.Cys643Ter)

Gene: SACS (sacsin molecular chaperone; minus strand). Cytogenetic location: 13q12.12.
Variant type: single nucleotide variant.
Coding change: c.1929T>A on transcript NM_014363.6 (MANE Select); coding-DNA position 1929, T replaced by A.
Protein change: p.Cys643Ter; replaces cysteine 643 with a stop codon.
Molecular consequence: nonsense.
Genome position (GRCh38, 1-based): chr13:23,354,683, A>T on the plus strand (T>A on the coding strand, the complement: SACS is on the minus strand). VCF-style: chr13-23354683-A-T. GRCh37 (hg19) VCF-style: chr13-23928822-A-T.
Other names: c.1488T>A, p.Cys496Ter (NM_001278055.2); short protein forms C496*, C643*.
Identifiers: ClinVar variation 1726651 (VCV001726651.2), dbSNP rs2542391731, ClinGen allele CA387545779.